The following is an entry in ClinVar:

ClinVar aggregate classification (germline): Uncertain significance. Review status: criteria provided, multiple submitters, no conflicts (2 of 4 stars). 2 submissions from 2 submitters: Uncertain significance (2). Last evaluated 2022-07-25.

Conditions:
Hereditary spastic paraplegia 11. Also called: SPASTIC PARAPLEGIA, AUTOSOMAL RECESSIVE, COMPLICATED, WITH THIN CORPUS CALLOSUM; SPASTIC PARAPLEGIA, AUTOSOMAL RECESSIVE, WITH MENTAL IMPAIRMENT AND THIN CORPUS CALLOSUM; Spastic Paraplegia 11; Spastic paraplegia, mental retardation and thin corpus callosum; Nakamura Osame syndrome; Autosomal recessive hereditary spastic paraplegia, mental impairment, and thin corpus callosum. Identifiers: Orphanet 2822, MedGen C1858479, MONDO:0011445, OMIM 604360.

Allele frequency attached by ClinVar (database versions not stated): gnomAD exomes 0.00001.
gnomAD v4.1: 3 of 1,613,586 alleles (0.00019%); highest among the groups gnomAD compares: Non-Finnish European, 0.00025%; no homozygotes.

Submissions (2):

Labcorp Genetics (formerly Invitae), Labcorp
Classification: Uncertain significance for Hereditary spastic paraplegia 11. Last evaluated: 2022-07-25. Review status: criteria provided, single submitter. Criteria: Invitae Variant Classification Sherloc (09022015). Collection method: clinical testing. Allele origin: germline.
Comment: ClinVar contains an entry for this variant (Variation ID: 1489876). Algorithms developed to predict the effect of missense changes on protein structure and function are either unavailable or do not agree on the potential impact of this missense change (SIFT: "Tolerated"; PolyPhen-2: "Possibly Damaging"; Align-GVGD: "Class C0"). Algorithms developed to predict the effect of sequence changes on RNA splicing suggest that this variant may create or strengthen a splice site. In summary, the available evidence is currently insufficient to determine the role of this variant in disease. Therefore, it has been classified as a Variant of Uncertain Significance. This variant has not been reported in the literature in individuals affected with SPG11-related conditions. This variant is present in population databases (no rsID available, gnomAD 0.002%). This sequence change replaces lysine, which is basic and polar, with glutamic acid, which is acidic and polar, at codon 734 of the SPG11 protein (p.Lys734Glu).

Blueprint Genetics
Classification: Uncertain significance. Last evaluated: 2021-08-16. Review status: criteria provided, single submitter. Criteria: ACMG Guidelines, 2015. Collection method: clinical testing. Allele origin: germline.

NM_025137.4(SPG11):c.2200A>G (p.Lys734Glu)

Gene: SPG11 (SPG11 vesicle trafficking associated, spatacsin; minus strand). Cytogenetic location: 15q21.1.
Variant type: single nucleotide variant.
Coding change: c.2200A>G on transcript NM_025137.4 (MANE Select); coding-DNA position 2200, A replaced by G.
Protein change: p.Lys734Glu; replaces lysine 734 with glutamic acid.
Molecular consequence: missense variant.
Genome position (GRCh38, 1-based): chr15:44,626,375, T>C on the plus strand (A>G on the coding strand, the complement: SPG11 is on the minus strand). VCF-style: chr15-44626375-T-C. GRCh37 (hg19) VCF-style: chr15-44918573-T-C.
Other names: c.2200A>G, p.Lys734Glu (NM_001160227.2); short protein forms K734E.
Identifiers: ClinVar variation 1489876 (VCV001489876.9), dbSNP rs1381618021, ClinGen allele CA392233349.
Genomic context (GRCh38, chr15:44,626,375, plus strand): 5'-GGATTACACCACTCACCATATTCTTCAAAAGTTCAGAGGCTTCCTTTATATTGTTCTTTT[T>C]TAAATTGTCAAAGACCAAATTTAGGCCTATGCCAATAAGCTCCTCAAGTTTTTGAGCAGA-3'
Protein context (NP_079413.3, residues 724-744): IGLNLVFDNL[Lys734Glu]KNNIKEASEL